The following is an entry in ClinVar:

NM_006904.7(PRKDC):c.1550G>C (p.Gly517Ala)

Gene: PRKDC (protein kinase, DNA-activated, catalytic subunit; minus strand). Cytogenetic location: 8q11.21.
Variant type: single nucleotide variant.
Coding change: c.1550G>C on transcript NM_006904.7 (MANE Select); coding-DNA position 1550, G replaced by C.
Protein change: p.Gly517Ala; replaces glycine 517 with alanine.
Molecular consequence: missense variant.
Genome position (GRCh38, 1-based): chr8:47,934,038, C>G on the plus strand (G>C on the coding strand, the complement: PRKDC is on the minus strand). VCF-style: chr8-47934038-C-G. GRCh37 (hg19) VCF-style: chr8-48846598-C-G.
Other names: c.1550G>C, p.Gly517Ala (NM_001081640.2); short protein forms G517A.
Identifiers: ClinVar variation 1775053 (VCV001775053.2), dbSNP rs2551879198, ClinGen allele CA371165408.

ClinVar aggregate classification (germline): Uncertain significance (1 of 4 stars; one submission).

Allele frequency attached by ClinVar (database versions not stated): gnomAD exomes below 0.00001.
gnomAD v4.1: 1 of 1,613,786 alleles (0.000062%); highest among the groups gnomAD compares: Non-Finnish European, 0.000085%; no homozygotes.

Submission:

Ambry Genetics
Classification: Uncertain significance. Last evaluated: 2021-10-05. Review status: criteria provided, single submitter. Criteria: Ambry Variant Classification Scheme 2023. Collection method: clinical testing. Allele origin: germline.
Comment: The p.G517A variant (also known as c.1550G>C), located in coding exon 15 of the PRKDC gene, results from a G to C substitution at nucleotide position 1550. The glycine at codon 517 is replaced by alanine, an amino acid with similar properties. This amino acid position is conserved. In addition, this alteration is predicted to be tolerated by in silico analysis. Since supporting evidence is limited at this time, the clinical significance of this alteration remains unclear.